The following is an entry in ClinVar:

ClinVar aggregate classification (germline): Uncertain significance (1 of 4 stars; one submission).

Conditions:
Cardiovascular phenotype. Identifiers: MedGen CN230736.

gnomAD v4.1: 1 of 1,614,100 alleles (0.000062%); highest among the groups gnomAD compares: Non-Finnish European, 0.000085%; no homozygotes.

Submission:

Ambry Genetics
Classification: Uncertain significance for Cardiovascular phenotype. Last evaluated: 2025-05-17. Review status: criteria provided, single submitter. Criteria: Ambry Variant Classification Scheme 2023. Collection method: clinical testing. Allele origin: germline.
Comment: The p.N1816D variant (also known as c.5446A>G), located in coding exon 14 of the ALPK3 gene, results from an A to G substitution at nucleotide position 5446. The asparagine at codon 1816 is replaced by aspartic acid, an amino acid with highly similar properties. This amino acid position is conserved. In addition, this alteration is predicted to be tolerated by in silico analysis. Based on the available evidence, the clinical significance of this variant remains unclear.

NM_020778.5(ALPK3):c.4840A>G (p.Asn1614Asp)

Gene: ALPK3 (alpha kinase 3; plus strand). Cytogenetic location: 15q25.3.
Variant type: single nucleotide variant.
Coding change: c.4840A>G on transcript NM_020778.5 (MANE Select); coding-DNA position 4840, A replaced by G.
Protein change: p.Asn1614Asp; replaces asparagine 1614 with aspartic acid.
Molecular consequence: missense variant.
Genome position (GRCh38, 1-based): chr15:84,868,178, A>G. VCF-style: chr15-84868178-A-G. GRCh37 (hg19) VCF-style: chr15-85411409-A-G.
Other names: short protein forms N1614D.
Identifiers: ClinVar variation 4044812 (VCV004044812.1).
Genomic context (GRCh38, chr15:84,868,178, plus strand): 5'-GGCCTCAAGGAAAGCTGCTTCCCTGCCCTGCTGGACCGGTTCGCCTCCTCCCACCAGTGC[A>G]ATGCCTACTGTGAGCTGCTGGGGCTGACACCTCTCAAGGGCCCGGAGGCGGCCCACCCCC-3'
Protein context (NP_065829.4, residues 1604-1624): LDRFASSHQC[Asn1614Asp]AYCELLGLTP